The following is an entry in ClinVar:

ClinVar aggregate classification (germline): Uncertain significance. Review status: criteria provided, multiple submitters, no conflicts (2 of 4 stars). 2 submissions from 2 submitters: Uncertain significance (2). Last evaluated 2024-01-09.

Conditions:
Oligodontia-cancer predisposition syndrome. Also called: TOOTH AGENESIS-COLORECTAL CANCER SYNDROME. Identifiers: Orphanet 300576, MedGen C1837750, MONDO:0012075, OMIM 608615. Disease mechanism: loss of function.
Hereditary cancer-predisposing syndrome. Also called: Tumor predisposition; Hereditary neoplastic syndrome; Neoplastic Syndromes, Hereditary; Hereditary Cancer Syndrome. Identifiers: Orphanet 140162, MedGen C0027672, MeSH D009386, MONDO:0015356.

Allele frequency attached by ClinVar (database versions not stated): gnomAD 0.00001.

Submissions (2):

Ambry Genetics
Classification: Uncertain significance for Hereditary cancer-predisposing syndrome. Last evaluated: 2024-01-09. Review status: criteria provided, single submitter. Criteria: Ambry Variant Classification Scheme 2023. Collection method: clinical testing. Allele origin: germline.
Comment: The p.R339G variant (also known as c.1015C>G), located in coding exon 3 of the AXIN2 gene, results from a C to G substitution at nucleotide position 1015. The arginine at codon 339 is replaced by glycine, an amino acid with dissimilar properties. This amino acid position is conserved. In addition, this alteration is predicted to be deleterious by in silico analysis. Since supporting evidence is limited at this time, the clinical significance of this alteration remains unclear.

Labcorp Genetics (formerly Invitae), Labcorp
Classification: Uncertain significance for Oligodontia-cancer predisposition syndrome. Last evaluated: 2022-09-06. Review status: criteria provided, single submitter. Criteria: Invitae Variant Classification Sherloc (09022015). Collection method: clinical testing. Allele origin: germline.
Comment: This sequence change replaces arginine, which is basic and polar, with glycine, which is neutral and non-polar, at codon 339 of the AXIN2 protein (p.Arg339Gly). This variant is present in population databases (no rsID available, gnomAD 0.01%). This variant has not been reported in the literature in individuals affected with AXIN2-related conditions. ClinVar contains an entry for this variant (Variation ID: 855938). Algorithms developed to predict the effect of missense changes on protein structure and function (SIFT, PolyPhen-2, Align-GVGD) all suggest that this variant is likely to be disruptive. In summary, the available evidence is currently insufficient to determine the role of this variant in disease. Therefore, it has been classified as a Variant of Uncertain Significance.

NM_004655.4(AXIN2):c.1015C>G (p.Arg339Gly)

Gene: AXIN2 (axin 2; minus strand). Cytogenetic location: 17q24.1.
Variant type: single nucleotide variant.
Coding change: c.1015C>G on transcript NM_004655.4 (MANE Select); coding-DNA position 1015, C replaced by G.
Protein change: p.Arg339Gly; replaces arginine 339 with glycine.
Molecular consequence: missense variant.
Genome position (GRCh38, 1-based): chr17:65,541,499, G>C on the plus strand (C>G on the coding strand, the complement: AXIN2 is on the minus strand). VCF-style: chr17-65541499-G-C. GRCh37 (hg19) VCF-style: chr17-63537617-G-C.
Other names: c.1015C>G, p.Arg339Gly (NM_001363813.1); short protein forms R339G.
Identifiers: ClinVar variation 855938 (VCV000855938.10), dbSNP rs1060502160, ClinGen allele CA400679228.